The following is an entry in ClinVar:

NM_000222.3(KIT):c.2697-16G>C

Gene: KIT (KIT proto-oncogene, receptor tyrosine kinase; plus strand). Cytogenetic location: 4q12.
Variant type: single nucleotide variant.
Coding change: c.2697-16G>C on transcript NM_000222.3 (MANE Select); 16 bases into the intron before coding-DNA position 2697, G replaced by C.
Molecular consequence: intron variant.
Genome position (GRCh38, 1-based): chr4:54,737,159, G>C. VCF-style: chr4-54737159-G-C. GRCh37 (hg19) VCF-style: chr4-55603325-G-C.
Other names: c.2700-16G>C (NM_001385284.1); c.2697-16G>C (NM_001385290.1); c.2688-16G>C (NM_001385288.1); c.2685-16G>C (NM_001385292.1, NM_001093772.2); c.2694-16G>C (NM_001385285.1); c.2682-16G>C (NM_001385286.1).
Identifiers: ClinVar variation 1560098 (VCV001560098.9), dbSNP rs781494024, ClinGen allele CA551370284.

ClinVar aggregate classification (germline): Benign/Likely benign. Review status: criteria provided, multiple submitters, no conflicts (2 of 4 stars). 2 submissions from 2 submitters: Benign (1); Likely benign (1). Last evaluated 2026-06-05.

Conditions:
Gastrointestinal stromal tumor. Also called: Gastrointestinal stromal tumor, somatic; Gastrointestinal stroma tumor. Identifiers: Orphanet 44890, MedGen C0238198, MeSH D046152, MONDO:0011719, OMIM 606764, HP:0100723.

Allele frequency attached by ClinVar (database versions not stated): TOPMed below 0.00001.
gnomAD v4.1: 7 of 1,537,896 alleles (0.00046%); highest among the groups gnomAD compares: Non-Finnish European, 0.00063%; no homozygotes.

Submissions (2):

Myriad Genetics, Inc.
Classification: Benign for Gastrointestinal stromal tumor. Last evaluated: 2026-06-05. Review status: criteria provided, single submitter. Criteria: Myriad Autosomal Dominant, Autosomal Recessive and X-Linked Classification Criteria (2023). Collection method: clinical testing. Allele origin: unknown.
Comment: This variant is considered benign. This variant is intronic and is not expected to impact mRNA splicing. This variant has been observed at a population frequency that is significantly greater than expected given the associated disease prevalence and penetrance.

Labcorp Genetics (formerly Invitae), Labcorp
Classification: Likely benign for Gastrointestinal stromal tumor. Last evaluated: 2025-05-30. Review status: criteria provided, single submitter. Criteria: Invitae Variant Classification Sherloc (09022015). Collection method: clinical testing. Allele origin: germline.